The following is an entry in ClinVar:

ClinVar aggregate classification (germline): Uncertain significance (0 of 4 stars; one submission).

Conditions:
NCOA1-related disorder. Also called: NCOA1-related condition.

Submission:

PreventionGenetics, part of Exact Sciences
Classification: Uncertain significance for NCOA1-related condition. Last evaluated: 2024-07-23. Review status: no assertion criteria provided. Collection method: clinical testing. Allele origin: germline.
Comment: The NCOA1 c.2837C>T variant is predicted to result in the amino acid substitution p.Thr946Ile. To our knowledge, this variant has not been reported in the literature or in a large population database, indicating this variant is rare. At this time, the clinical significance of this variant is uncertain due to the absence of conclusive functional and genetic evidence.

NM_003743.5(NCOA1):c.2837C>T (p.Thr946Ile)

Gene: NCOA1 (nuclear receptor coactivator 1; plus strand). Cytogenetic location: 2p23.3.
Variant type: single nucleotide variant.
Coding change: c.2837C>T on transcript NM_003743.5 (MANE Select); coding-DNA position 2837, C replaced by T.
Protein change: p.Thr946Ile; replaces threonine 946 with isoleucine.
Molecular consequence: missense variant.
Genome position (GRCh38, 1-based): chr2:24,728,427, C>T. VCF-style: chr2-24728427-C-T. GRCh37 (hg19) VCF-style: chr2-24951296-C-T.
Other names: c.2837C>T, p.Thr946Ile (NM_001362950.1, NM_001362952.1, NM_001362954.1 and 3 more transcripts); short protein forms T946I.
Identifiers: ClinVar variation 3347481 (VCV003347481.1).
Genomic context (GRCh38, chr2:24,728,427, plus strand): 5'-GAAATGATGAGAAGGCTCTTCTTGAACAGCTGGTATCCTTCCTTAGTGGCAAAGATGAAA[C>T]TGAGCTAGCTGAACTAGACAGAGCTCTGGGAATTGACAAACTTGTTCAGGTATTTATTAA-3'
Protein context (NP_003734.3, residues 936-956): LVSFLSGKDE[Thr946Ile]ELAELDRALG